The following is an entry in ClinVar:

NM_144670.6(A2ML1):c.2235-3C>T

Gene: A2ML1 (alpha-2-macroglobulin like 1; plus strand). Cytogenetic location: 12p13.31.
Variant type: single nucleotide variant.
Coding change: c.2235-3C>T on transcript NM_144670.6 (MANE Select); 3 bases into the intron before coding-DNA position 2235, C replaced by T.
Molecular consequence: intron variant.
Genome position (GRCh38, 1-based): chr12:8,851,781, C>T. VCF-style: chr12-8851781-C-T. GRCh37 (hg19) VCF-style: chr12-9004377-C-T.
Other names: c.762-3C>T (NM_001282424.3).
Identifiers: ClinVar variation 2165259 (VCV002165259.4), dbSNP rs767684278, ClinGen allele CA6435961.

ClinVar aggregate classification (germline): Uncertain significance (1 of 4 stars; one submission).

Allele frequency attached by ClinVar (database versions not stated): TOPMed below 0.00001; gnomAD exomes 0.00001; ExAC 0.00004.
gnomAD v4.1: 8 of 1,613,896 alleles (0.0005%); highest among the groups gnomAD compares: Admixed American, 0.01%; no homozygotes.

Submission:

Labcorp Genetics (formerly Invitae), Labcorp
Classification: Uncertain significance. Last evaluated: 2024-06-28. Review status: criteria provided, single submitter. Criteria: Invitae Variant Classification Sherloc (09022015). Collection method: clinical testing. Allele origin: germline.
Comment: This sequence change falls in intron 18 of the A2ML1 gene. It does not directly change the encoded amino acid sequence of the A2ML1 protein. It affects a nucleotide within the consensus splice site. This variant is present in population databases (rs767684278, gnomAD 0.02%). This variant has not been reported in the literature in individuals affected with A2ML1-related conditions. ClinVar contains an entry for this variant (Variation ID: 2165259). Variants that disrupt the consensus splice site are a relatively common cause of aberrant splicing (PMID: 17576681, 9536098). Algorithms developed to predict the effect of sequence changes on RNA splicing suggest that this variant is not likely to affect RNA splicing. In summary, the available evidence is currently insufficient to determine the role of this variant in disease. Therefore, it has been classified as a Variant of Uncertain Significance.

Literature cited by the submitters: PubMed 17576681; PubMed 9536098.